The following is an entry in ClinVar:

NM_198904.4(GABRG2):c.1348G>C (p.Asp450His)

Gene: GABRG2 (gamma-aminobutyric acid type A receptor subunit gamma2; plus strand). Cytogenetic location: 5q34.
Variant type: single nucleotide variant.
Coding change: c.1348G>C on transcript NM_198904.4 (MANE Select); coding-DNA position 1348, G replaced by C.
Protein change: p.Asp450His; replaces aspartic acid 450 with histidine.
Molecular consequence: missense variant. On other transcripts: 3 prime UTR variant (1).
Genome position (GRCh38, 1-based): chr5:162,153,288, G>C. VCF-style: chr5-162153288-G-C. GRCh37 (hg19) VCF-style: chr5-161580294-G-C.
Other names: c.1324G>C, p.Asp442His (NM_000816.3); c.1339G>C, p.Asp447His (NM_001375339.1); c.*182G>C (NM_001375340.1); c.1345G>C, p.Asp449His (NM_001375341.1); c.1321G>C, p.Asp441His (NM_001375342.1); c.1444G>C, p.Asp482His (NM_001375343.1); c.1387G>C, p.Asp463His (NM_001375344.1); c.1258G>C, p.Asp420His (NM_001375345.1); and 6 more; short protein forms D310H, D421H, D447H, D463H, D302H, D347H, D450H, D482H.
Identifiers: ClinVar variation 2950086 (VCV002950086.3), dbSNP rs2532775699, ClinGen allele CA362183912.
Genomic context (GRCh38, chr5:162,153,288, plus strand): 5'-GAAGATTGTCGAACAGGAGCTTGGAGACATGGGAGGATACATATCCGCATTGCCAAAATG[G>C]ACTCCTATGCTCGGATCTTCTTCCCCACTGCCTTCTGCCTGTTTAATCTGGTCTATTGGG-3'
Protein context (NP_944494.1, residues 440-460): GRIHIRIAKM[Asp450His]SYARIFFPTA

ClinVar aggregate classification (germline): Uncertain significance (1 of 4 stars; one submission).

Conditions:
EPILEPSY, CHILDHOOD ABSENCE, SUSCEPTIBILITY TO, 2 (ECA2). Identifiers: Orphanet 64280, MedGen C1843244, OMIM 607681.
Febrile seizures, familial, 8 (FEB8). Also called: CONVULSIONS, FAMILIAL FEBRILE, 8. Identifiers: Orphanet 36387, MedGen C1969810, MONDO:0011891, OMIM 607681.

Submission:

Labcorp Genetics (formerly Invitae), Labcorp
Classification: Uncertain significance for Febrile seizures, familial, 8; EPILEPSY, CHILDHOOD ABSENCE, SUSCEPTIBILITY TO, 2. Last evaluated: 2025-11-24. Review status: criteria provided, single submitter. Criteria: Invitae Variant Classification Sherloc (09022015). Collection method: clinical testing. Allele origin: germline.
Comment: This sequence change replaces aspartic acid, which is acidic and polar, with histidine, which is basic and polar, at codon 442 of the GABRG2 protein (p.Asp442His). This variant is not present in population databases (gnomAD no frequency). This variant has not been reported in the literature in individuals affected with GABRG2-related conditions. ClinVar contains an entry for this variant (Variation ID: 2950086). Invitae Evidence Modeling of protein sequence and biophysical properties (such as structural, functional, and spatial information, amino acid conservation, physicochemical variation, residue mobility, and thermodynamic stability) indicates that this missense variant is expected to disrupt GABRG2 protein function with a positive predictive value of 95%. In summary, the available evidence is currently insufficient to determine the role of this variant in disease. Therefore, it has been classified as a Variant of Uncertain Significance.